The following is an entry in ClinVar:

ClinVar aggregate classification (germline): Pathogenic (1 of 4 stars; one submission).

Conditions:
Congenital factor VII deficiency. Identifiers: Orphanet 327, MedGen C0272320, MONDO:0009211, OMIM 227500.

gnomAD v4.1: 6 of 1,606,268 alleles (0.00037%); highest among the groups gnomAD compares: East Asian, 0.0089%; no homozygotes.

Submission:

First Genomix Gene Laboratory, Genetic Diagnostics Department
Classification: Pathogenic for Congenital factor VII deficiency. Last evaluated: 2025-07-18. Review status: criteria provided, single submitter. Criteria: ACMG Guidelines, 2015. Collection method: clinical testing. Allele origin: germline. Inheritance: Autosomal recessive inheritance. Affected: no. Observed: 1 variant allele.

NM_019616.4(F7):c.506-2A>G

Gene: F7 (coagulation factor VII; plus strand). Cytogenetic location: 13q34.
Variant type: single nucleotide variant.
Coding change: c.506-2A>G on transcript NM_019616.4 (MANE Select); the canonical splice acceptor site of the intron before coding-DNA position 506, A replaced by G.
Molecular consequence: splice acceptor variant.
Genome position (GRCh38, 1-based): chr13:113,116,764, A>G. VCF-style: chr13-113116764-A-G. GRCh37 (hg19) VCF-style: chr13-113771078-A-G.
Other names: c.572-2A>G (NM_000131.5, NM_000131.4); c.320-2A>G (NM_001267554.2).
Identifiers: ClinVar variation 4849355 (VCV004849355.1).
Genomic context (GRCh38, chr13:113,116,764, plus strand): 5'-TTCCTAGTGGCACGTTCATCCCTCACAAATCTCTGCATCTTTCTGACTTTTGTTTTACAC[A>G]GTTGAATATCCATGTGGAAAAATACCTATTCTAGAAAAAAGAAATGCCAGCAAACCCCAA-3'